The following is an entry in ClinVar:

NM_000488.4(SERPINC1):c.910T>C (p.Leu304=)

Gene: SERPINC1 (serpin family C member 1; minus strand). Cytogenetic location: 1q25.1.
Variant type: single nucleotide variant.
Coding change: c.910T>C on transcript NM_000488.4 (MANE Select); coding-DNA position 910, T replaced by C.
Protein change: p.Leu304=; no amino-acid change (leucine 304 retained).
Molecular consequence: synonymous variant.
Genome position (GRCh38, 1-based): chr1:173,909,795, A>G on the plus strand (T>C on the coding strand, the complement: SERPINC1 is on the minus strand). VCF-style: chr1-173909795-A-G. GRCh37 (hg19) VCF-style: chr1-173878933-A-G.
Other names: NM_000488.4(SERPINC1):c.910T>C; p.Leu304=; c.766T>C, p.Leu256= (NM_001365052.2); c.1033T>C, p.Leu345= (NM_001386302.1); c.991T>C, p.Leu331= (NM_001386303.1); c.889T>C, p.Leu297= (NM_001386304.1); c.853T>C, p.Leu285= (NM_001386305.1); c.694T>C, p.Leu232= (NM_001386306.1).
Identifiers: ClinVar variation 1114396 (VCV001114396.9), dbSNP rs150507232, ClinGen allele CA1251313.

ClinVar aggregate classification (germline): Likely benign. Review status: reviewed by expert panel (3 of 4 stars). 2 submissions from 2 submitters: Likely benign (1). 1 of the submissions does not count toward it. Last evaluated 2025-10-17.

Conditions:
Hereditary antithrombin deficiency (AT3D). Also called: Antithrombin III deficiency; Thrombophilia due to antithrombin III deficiency; Reduced antithrombin III activity; Antithrombin deficiency. Identifiers: Orphanet 82, MedGen C0272375, MONDO:0013144, OMIM 613118, HP:0001976.

Allele frequency attached by ClinVar (database versions not stated): gnomAD exomes 0.00002 and 0.00011; ExAC 0.00008; gnomAD 0.00015 and 0.00019; TOPMed 0.00016; ESP Exome Variant Server 0.00046; 1000 Genomes Project 30x 0.00047; 1000 Genomes Project 0.00060.
gnomAD v4.1: 77 of 1,614,210 alleles (0.0048%); highest among the groups gnomAD compares: African/African-American, 0.035%; no homozygotes.

Submissions (2):

Clingen Thrombosis Variant Curation Expert Panel, ClinGen
Classification: Likely benign for Hereditary antithrombin deficiency. Last evaluated: 2025-10-17. Review status: reviewed by expert panel. Criteria: ClinGen ACMG Specifications SERPINC1 V1.0.0. Collection method: curation. Allele origin: germline. Inheritance: Autosomal dominant inheritance.
Comment: The c.910T>C (p.Leu304=) variant is a synonymous (silent) variant that is not predicted by SpliceAI to impact splicing (BP4). The BP7 code is not applied due to a non-qualifying PhyloP score. The filtering allele frequency (the lower threshold of the 95% CI of 77/1614210) of the c.910T>C variant in SERPINC1 is 0.0002422 for African/African American chromosomes by gnomAD v4.1.0, which is higher than the ClinGen Thrombosis VCEP threshold (>0.0002) for BS1, and therefore meets this criterion (BS1). In summary, this variant meets the criteria to be classified as likely benign for autosomal dominant hereditary antithrombin deficiency based on the ACMG/AMP criteria applied, as specified by the ClinGen Thrombosis VCEP: BP4, BS1.

Labcorp Genetics (formerly Invitae), Labcorp
Classification: Likely benign for Hereditary antithrombin deficiency. Last evaluated: 2026-01-27. Review status: criteria provided, single submitter. Criteria: Invitae Variant Classification Sherloc (09022015). Collection method: clinical testing. Allele origin: germline. Not counted in ClinVar's aggregate classification.